The following is an entry in ClinVar:

NM_001042492.3(NF1):c.1963_1973dup (p.Arg659fs)

Gene: NF1 (neurofibromin 1; plus strand). Cytogenetic location: 17q11.2.
Variant type: Duplication.
Coding change: c.1963_1973dup on transcript NM_001042492.3 (MANE Select); coding-DNA positions 1963 to 1973, 11 bases duplicated (GGAGCCTCTCT).
Protein change: p.Arg659fs; shifts the reading frame from arginine 659.
Molecular consequence: frameshift variant.
Genome position (GRCh38, 1-based): chr17:31,225,212-31,225,222, GGAGCCTCTCT duplicated; duplicating any 11 consecutive bases within chr17:31,225,210-31,225,222 gives the same sequence; the c. name uses the placement nearest the transcript's 3' end. VCF-style (leftmost placement, unchanged base first): chr17-31225209-C-CCTGGAGCCTCT. GRCh37 (hg19) VCF-style: chr17-29552227-C-CCTGGAGCCTCT.
Other names: c.1963_1973dup, p.Arg659Glufs (NM_000267.4); short protein forms R659fs.
Identifiers: ClinVar variation 3722244 (VCV003722244.2).

ClinVar aggregate classification (germline): Pathogenic (1 of 4 stars; one submission).

Conditions:
Neurofibromatosis, type 1 (NF1). Also called: VON RECKLINGHAUSEN DISEASE; NEUROFIBROMATOSIS, TYPE I, SOMATIC; Peripheral type neurofibromatosis; Neurofibromatosis, type I. Identifiers: Orphanet 636, MedGen C0027831, MONDO:0018975, OMIM 162200. Disease mechanism: loss of function.

Submission:

Labcorp Genetics (formerly Invitae), Labcorp
Classification: Pathogenic for Neurofibromatosis, type 1. Last evaluated: 2024-10-05. Review status: criteria provided, single submitter. Criteria: Invitae Variant Classification Sherloc (09022015). Collection method: clinical testing. Allele origin: germline.
Comment: This sequence change creates a premature translational stop signal (p.Arg659Glufs*33) in the NF1 gene. It is expected to result in an absent or disrupted protein product. Loss-of-function variants in NF1 are known to be pathogenic (PMID: 10712197, 23913538). This variant is not present in population databases (gnomAD no frequency). This variant has not been reported in the literature in individuals affected with NF1-related conditions. For these reasons, this variant has been classified as Pathogenic.

Literature cited by the submitters: PubMed 10712197; PubMed 23913538.